The following is an entry in ClinVar:

NM_005956.4(MTHFD1):c.1456G>A (p.Val486Met)

Gene: MTHFD1 (methylenetetrahydrofolate dehydrogenase, cyclohydrolase and formyltetrahydrofolate synthetase 1; plus strand). Cytogenetic location: 14q23.3.
Variant type: single nucleotide variant.
Coding change: c.1456G>A on transcript NM_005956.4 (MANE Select); coding-DNA position 1456, G replaced by A.
Protein change: p.Val486Met; replaces valine 486 with methionine.
Molecular consequence: missense variant.
Genome position (GRCh38, 1-based): chr14:64,431,823, G>A. VCF-style: chr14-64431823-G-A. GRCh37 (hg19) VCF-style: chr14-64898541-G-A.
Other names: c.1456G>A, p.Val486Met (NM_001364837.1); short protein forms V486M.
Identifiers: ClinVar variation 1475698 (VCV001475698.8), dbSNP rs762017000, ClinGen allele CA7226252.

ClinVar aggregate classification (germline): Uncertain significance (1 of 4 stars; one submission).

Allele frequency attached by ClinVar (database versions not stated): gnomAD 0.00001; gnomAD exomes 0.00001; ExAC 0.00002.
gnomAD v4.1: 5 of 1,614,076 alleles (0.00031%); highest among the groups gnomAD compares: Admixed American, 0.0033%; no homozygotes.

Submission:

Labcorp Genetics (formerly Invitae), Labcorp
Classification: Uncertain significance. Last evaluated: 2022-02-05. Review status: criteria provided, single submitter. Criteria: Invitae Variant Classification Sherloc (09022015). Collection method: clinical testing. Allele origin: germline.
Comment: This variant is present in population databases (rs762017000, gnomAD 0.003%). This variant has not been reported in the literature in individuals affected with MTHFD1-related conditions. This sequence change replaces valine, which is neutral and non-polar, with methionine, which is neutral and non-polar, at codon 486 of the MTHFD1 protein (p.Val486Met). In summary, the available evidence is currently insufficient to determine the role of this variant in disease. Therefore, it has been classified as a Variant of Uncertain Significance. Algorithms developed to predict the effect of missense changes on protein structure and function are either unavailable or do not agree on the potential impact of this missense change (SIFT: "Deleterious"; PolyPhen-2: "Possibly Damaging"; Align-GVGD: "Class C0").